The following is an entry in ClinVar:

NM_004268.5(MED17):c.372T>G (p.Phe124Leu)

Gene: MED17 (mediator complex subunit 17; plus strand). Cytogenetic location: 11q21.
Variant type: single nucleotide variant.
Coding change: c.372T>G on transcript NM_004268.5 (MANE Select); coding-DNA position 372, T replaced by G.
Protein change: p.Phe124Leu; replaces phenylalanine 124 with leucine.
Molecular consequence: missense variant.
Genome position (GRCh38, 1-based): chr11:93,788,122, T>G. VCF-style: chr11-93788122-T-G. GRCh37 (hg19) VCF-style: chr11-93521288-T-G.
Other names: c.372T>G (NM_004268.4); short protein forms F124L.
Identifiers: ClinVar variation 1522055 (VCV001522055.9), dbSNP rs895845028, ClinGen allele CA226522596.
Genomic context (GRCh38, chr11:93,788,122, plus strand): 5'-TGCCCTGACAGAGATGTGTGTTCTCTATGATGTTCTCAGTATTGTTAGGGATAAAAAATT[T>G]ATGACTCTTGATCCTGTCTCTCAGGATGCACTTCCTCCAAAACAGGTATTTGTGGACTTT-3'
Protein context (NP_004259.3, residues 114-134): DVLSIVRDKK[Phe124Leu]MTLDPVSQDA

ClinVar aggregate classification (germline): Uncertain significance. Review status: criteria provided, single submitter (1 of 4 stars). 2 submissions from 2 submitters: Uncertain significance (1). 1 of the submissions does not count toward it. Last evaluated 2022-10-17.

Conditions:
Infantile cerebral and cerebellar atrophy with postnatal progressive microcephaly (MSBA). Identifiers: Orphanet 402364, MedGen C3150921, MONDO:0013351, OMIM 613668.

Submissions (2):

Labcorp Genetics (formerly Invitae), Labcorp
Classification: Uncertain significance. Last evaluated: 2022-10-17. Review status: criteria provided, single submitter. Criteria: Invitae Variant Classification Sherloc (09022015). Collection method: clinical testing. Allele origin: germline.
Comment: ClinVar contains an entry for this variant (Variation ID: 1522055). In summary, the available evidence is currently insufficient to determine the role of this variant in disease. Therefore, it has been classified as a Variant of Uncertain Significance. Advanced modeling of protein sequence and biophysical properties (such as structural, functional, and spatial information, amino acid conservation, physicochemical variation, residue mobility, and thermodynamic stability) performed at Invitae indicates that this missense variant is not expected to disrupt MED17 protein function. This variant has not been reported in the literature in individuals affected with MED17-related conditions. This variant is not present in population databases (gnomAD no frequency). This sequence change replaces phenylalanine, which is neutral and non-polar, with leucine, which is neutral and non-polar, at codon 124 of the MED17 protein (p.Phe124Leu).

Natera, Inc.
Classification: Uncertain significance for Postnatal progressive microcephaly with seizures and brain atrophy. Last evaluated: 2025-01-22. Review status: no assertion criteria provided. Collection method: clinical testing. Allele origin: germline. Not counted in ClinVar's aggregate classification.